The following is an entry in ClinVar:

NM_003803.4(MYOM1):c.3102_3112del (p.Trp1034fs)

Gene: MYOM1 (myomesin 1; minus strand). Cytogenetic location: 18p11.31.
Variant type: Deletion.
Coding change: c.3102_3112del on transcript NM_003803.4 (MANE Select); coding-DNA positions 3102 to 3112, 11 bases deleted (GACCATCGCCG).
Protein change: p.Trp1034fs; shifts the reading frame from tryptophan 1034.
Molecular consequence: frameshift variant.
Genome position (GRCh38, 1-based): chr18:3,119,875-3,119,885, CGGCGATGGTC deleted on the plus strand (GACCATCGCCG on the coding strand, the reverse complement: MYOM1 is on the minus strand); deleting any 11 consecutive bases within chr18:3,119,875-3,119,886 gives the same sequence; the c. name uses the placement nearest the transcript's 3' end. VCF-style (leftmost placement, unchanged base first): chr18-3119874-ACGGCGATGGTC-A. GRCh37 (hg19) VCF-style: chr18-3119872-ACGGCGATGGTC-A.
Other names: c.2814_2824del, p.Trp938fs (NM_019856.2); short protein forms W938fs, W1034fs.
Identifiers: ClinVar variation 3658608 (VCV003658608.2).
Genomic context (GRCh38, chr18:3,119,874, plus strand): 5'-GTTCTCTTGGAGGAAATTCCGAGGTGCGGTGTGGAGGCAGGTGTCTGTGGTTTACCTGGG[ACGGCGATGGTC>A]CACTCTTCACATTTGAAGCATTCGCTTACTGCGGAGGGCGCGCCCAGCCCAGCCATGTTC-3'

ClinVar aggregate classification (germline): Uncertain significance (1 of 4 stars; one submission).

Conditions:
Hypertrophic cardiomyopathy. Also called: HYPERTROPHIC MYOCARDIOPATHY. Identifiers: Orphanet 217569, MedGen C0007194, MeSH D002312, MONDO:0005045, HP:0001639.

Submission:

Labcorp Genetics (formerly Invitae), Labcorp
Classification: Uncertain significance for Hypertrophic cardiomyopathy. Last evaluated: 2024-07-03. Review status: criteria provided, single submitter. Criteria: Invitae Variant Classification Sherloc (09022015). Collection method: clinical testing. Allele origin: germline.
Comment: This sequence change creates a premature translational stop signal (p.Trp1034Cysfs*11) in the MYOM1 gene. It is expected to result in an absent or disrupted protein product. However, the current clinical and genetic evidence is not sufficient to establish whether loss-of-function variants in MYOM1 cause disease. This variant is not present in population databases (gnomAD no frequency). This variant has not been reported in the literature in individuals affected with MYOM1-related conditions. Algorithms developed to predict the effect of sequence changes on RNA splicing suggest that this variant may disrupt the consensus splice site. In summary, the available evidence is currently insufficient to determine the role of this variant in disease. Therefore, it has been classified as a Variant of Uncertain Significance.